The following is an entry in ClinVar:

NM_020843.4(SCAPER):c.478A>T (p.Thr160Ser)

Gene: SCAPER (S-phase cyclin A associated protein in the ER; minus strand). Cytogenetic location: 15q24.3.
Variant type: single nucleotide variant.
Coding change: c.478A>T on transcript NM_020843.4 (MANE Select); coding-DNA position 478, A replaced by T.
Protein change: p.Thr160Ser; replaces threonine 160 with serine.
Molecular consequence: missense variant. On other transcripts: 5 prime UTR variant (1), non-coding transcript variant (1).
Genome position (GRCh38, 1-based): chr15:76,804,549, T>A on the plus strand (A>T on the coding strand, the complement: SCAPER is on the minus strand). VCF-style: chr15-76804549-T-A. GRCh37 (hg19) VCF-style: chr15-77096890-T-A.
Other names: c.478A>T (NM_001353009.1); c.-420A>T (NM_001145923.2); c.478A>T, p.Thr160Ser (NM_001353009.2); c.76A>T, p.Thr26Ser (NM_001353010.2, NM_001353011.2, NM_001353012.2); short protein forms T160S, T26S.
Identifiers: ClinVar variation 3792959 (VCV003792959.2).
Genomic context (GRCh38, chr15:76,804,549, plus strand): 5'-AAACTGCTGGATGATAGGAAGATTGAGACCAGAGAGCTCATTACCTGCTTTGAGCATCTG[T>A]CTTCTCTAGCTTTTCCTGAAGCTGAATCCAGTCAATCAATGCTTTGAAATCTCTTACATA-3'
Protein context (NP_065894.2, residues 150-170): WIQLQEKLEK[Thr160Ser]DAQSRPTSLA

ClinVar aggregate classification (germline): Uncertain significance. Review status: criteria provided, multiple submitters, no conflicts (2 of 4 stars). 2 submissions from 2 submitters: Uncertain significance (2). Last evaluated 2025-03-19.

Conditions:
SCAPER-related disorder. Also called: SCAPER-related condition.
Inborn genetic diseases. Identifiers: MedGen C0950123, MeSH D030342.

gnomAD v4.1: 125 of 1,610,036 alleles (0.0078%); highest among the groups gnomAD compares: Non-Finnish European, 0.01%; no homozygotes.

Submissions (2):

PreventionGenetics, part of Exact Sciences
Classification: Uncertain significance for SCAPER-related condition. Last evaluated: 2025-03-19. Review status: criteria provided, single submitter. Criteria: ACMG Guidelines, 2015. Collection method: clinical testing. Allele origin: germline.
Comment: The SCAPER c.478A>T variant is predicted to result in the amino acid substitution p.Thr160Ser. To our knowledge, this variant has not been reported in the literature. This variant is reported in 0.0045% of alleles in individuals of European (Non-Finnish) descent in gnomAD. At this time, the clinical significance of this variant is uncertain due to the absence of conclusive functional and genetic evidence.

Ambry Genetics
Classification: Uncertain significance for Inborn genetic diseases. Last evaluated: 2025-01-22. Review status: criteria provided, single submitter. Criteria: Ambry Variant Classification Scheme 2023. Collection method: clinical testing. Allele origin: germline.